The following is an entry in ClinVar:

ClinVar aggregate classification (germline): Uncertain significance (1 of 4 stars; one submission).

Submission:

CeGaT Center for Human Genetics Tuebingen
Classification: Uncertain significance. Last evaluated: 2024-01-01. Review status: criteria provided, single submitter. Criteria: CeGaT Center For Human Genetics Tuebingen Variant Classification Criteria Version 2. Collection method: clinical testing. Allele origin: germline. Affected: yes. Observed: 1 variant allele.
Comment: MAPT: PM2, BP4

NM_001377265.1(MAPT):c.1998+8T>A

Gene: MAPT (microtubule associated protein tau). Cytogenetic location: 17q21.31.
Variant type: single nucleotide variant.
Coding change: c.1998+8T>A on transcript NM_001377265.1 (MANE Select); 8 bases into the intron after coding-DNA position 1998, T replaced by A.
Molecular consequence: intron variant.
Genome position (GRCh38, 1-based): chr17:45,996,672, T>A. VCF-style: chr17-45996672-T-A. GRCh37 (hg19) VCF-style: chr17-44074038-T-A.
Other names: c.648+8T>A (NM_001377268.1, NM_016834.5, NM_016841.5); c.1827+8T>A (NM_001123066.4); c.1773+8T>A (NM_016835.5); c.822+8T>A (NM_005910.6, NM_001203252.2); c.1800+8T>A (NM_001377266.1); c.735+8T>A (NM_001123067.4, NM_001203251.2, NM_001377267.1).
Identifiers: ClinVar variation 3026788 (VCV003026788.22), dbSNP rs2509989309, ClinGen allele CA2740093765.